The following is an entry in ClinVar:

ClinVar aggregate classification (germline): Uncertain significance (1 of 4 stars; one submission).

Allele frequency attached by ClinVar (database versions not stated): ExAC 0.00002.
gnomAD v4.1: 7 of 1,612,712 alleles (0.00043%); highest among the groups gnomAD compares: Non-Finnish European, 0.00051%; no homozygotes.

Submission:

Labcorp Genetics (formerly Invitae), Labcorp
Classification: Uncertain significance. Last evaluated: 2024-10-19. Review status: criteria provided, single submitter. Criteria: Invitae Variant Classification Sherloc (09022015). Collection method: clinical testing. Allele origin: germline.
Comment: This sequence change replaces phenylalanine, which is neutral and non-polar, with leucine, which is neutral and non-polar, at codon 281 of the SEPT9 protein (p.Phe281Leu). This variant is present in population databases (rs773564637, gnomAD 0.002%). This variant has not been reported in the literature in individuals affected with SEPT9-related conditions. ClinVar contains an entry for this variant (Variation ID: 2445551). Invitae Evidence Modeling of protein sequence and biophysical properties (such as structural, functional, and spatial information, amino acid conservation, physicochemical variation, residue mobility, and thermodynamic stability) indicates that this missense variant is not expected to disrupt SEPT9 protein function with a negative predictive value of 80%. In summary, the available evidence is currently insufficient to determine the role of this variant in disease. Therefore, it has been classified as a Variant of Uncertain Significance.

NM_001113491.2(SEPTIN9):c.897C>G (p.Phe299Leu)

Gene: SEPTIN9 (septin 9; plus strand). Cytogenetic location: 17q25.3.
Variant type: single nucleotide variant.
Coding change: c.897C>G on transcript NM_001113491.2 (MANE Select); coding-DNA position 897, C replaced by G.
Protein change: p.Phe299Leu; replaces phenylalanine 299 with leucine.
Molecular consequence: missense variant.
Genome position (GRCh38, 1-based): chr17:77,482,319, C>G. VCF-style: chr17-77482319-C-G. GRCh37 (hg19) VCF-style: chr17-75478401-C-G.
Other names: c.144C>G, p.Phe48Leu (NM_001113496.2, NM_001293698.2, NM_001113495.2 and 1 more transcripts); c.840C>G, p.Phe280Leu (NM_001293695.2); c.843C>G, p.Phe281Leu (NM_006640.5); c.405C>G, p.Phe135Leu (NM_001113492.2, NM_001113494.1); c.876C>G, p.Phe292Leu (NM_001113493.2); c.225C>G, p.Phe75Leu (NM_001293696.2); short protein forms F135L, F280L, F281L, F292L, F299L, F48L, F75L.
Identifiers: ClinVar variation 2445551 (VCV002445551.4), dbSNP rs773564637, ClinGen allele CA8793546.